The following is an entry in ClinVar:

NM_001972.4(ELANE):c.322G>C (p.Gly108Arg)

Gene: ELANE (elastase, neutrophil expressed; plus strand). Cytogenetic location: 19p13.3.
Variant type: single nucleotide variant.
Coding change: c.322G>C on transcript NM_001972.4 (MANE Select); coding-DNA position 322, G replaced by C.
Protein change: p.Gly108Arg; replaces glycine 108 with arginine.
Molecular consequence: missense variant.
Genome position (GRCh38, 1-based): chr19:853,359, G>C. VCF-style: chr19-853359-G-C. GRCh37 (hg19) VCF-style: chr19-853359-G-C.
Other names: c.322G>C (NM_001972.2); short protein forms G108R.
Identifiers: ClinVar variation 981519 (VCV000981519.2), dbSNP rs1221333968, ClinGen allele CA402916220.

ClinVar aggregate classification (germline): Uncertain significance. Review status: criteria provided, multiple submitters, no conflicts (2 of 4 stars). 2 submissions from 2 submitters: Uncertain significance (2). Last evaluated 2025-03-04.

Conditions:
Inborn genetic diseases. Identifiers: MedGen C0950123, MeSH D030342.
Neutropenia, severe congenital, 1, autosomal dominant. Identifiers: MedGen C1859966, MONDO:0042490, OMIM 202700.

Allele frequency attached by ClinVar (database versions not stated): gnomAD exomes below 0.00001.
gnomAD v4.1: 15 of 1,611,640 alleles (0.00093%); highest among the groups gnomAD compares: Middle Eastern, 0.017%; no homozygotes.

Submissions (2):

Ambry Genetics
Classification: Uncertain significance for Inborn genetic diseases. Last evaluated: 2025-03-04. Review status: criteria provided, single submitter. Criteria: Ambry Variant Classification Scheme 2023. Collection method: clinical testing. Allele origin: germline.
Comment: The p.G108R variant (also known as c.322G>C), located in coding exon 3 of the ELANE gene, results from a G to C substitution at nucleotide position 322. The glycine at codon 108 is replaced by arginine, an amino acid with dissimilar properties. This amino acid position is conserved. In addition, the in silico prediction for this alteration is inconclusive. Based on the available evidence, the clinical significance of this variant remains unclear.

Johns Hopkins Genomics, Johns Hopkins University
Classification: Uncertain significance for Neutropenia, severe congenital, 1, autosomal dominant. Last evaluated: 2020-09-24. Review status: criteria provided, single submitter. Criteria: ACMG Guidelines, 2015. Collection method: clinical testing. Allele origin: germline.
Comment: This ELANE variant (rs1221333968) is rare (<0.1%) in a large population dataset (gnomAD: 1/238834 total alleles; 0.0004%; no homozygotes) and has not been reported in ClinVar nor the literature, to our knowledge. Of three bioinformatics tools queried, two predict that the substitution would be damaging, while one predicts that it would be tolerated. The glycine residue at this position is highly evolutionarily conserved across most species assessed. We consider the clinical significance of c.322G>C to be uncertain at this time.